The following is an entry in ClinVar:

NM_000274.4(OAT):c.1224T>C (p.His408=)

Gene: OAT (ornithine aminotransferase; minus strand). Cytogenetic location: 10q26.13.
Variant type: single nucleotide variant.
Coding change: c.1224T>C on transcript NM_000274.4 (MANE Select); coding-DNA position 1224, T replaced by C.
Protein change: p.His408=; no amino-acid change (histidine 408 retained).
Molecular consequence: synonymous variant.
Genome position (GRCh38, 1-based): chr10:124,398,038, A>G on the plus strand (T>C on the coding strand, the complement: OAT is on the minus strand). VCF-style: chr10-124398038-A-G. GRCh37 (hg19) VCF-style: chr10-126086607-A-G.
Other names: c.810T>C, p.His270= (NM_001171814.2); c.1224T>C, p.His408= (NM_001322965.2, NM_001322966.2, NM_001322967.2 and 3 more transcripts); c.903T>C, p.His301= (NM_001322971.2); c.624T>C, p.His208= (NM_001322974.2).
Identifiers: ClinVar variation 193571 (VCV000193571.57), dbSNP rs201864147, ClinGen allele CA239102.
Genomic context (GRCh38, chr10:124,398,038, plus strand): 5'-GGACTCTCGAAGCTCATCCTCCTTGATCACCAGCGGAGGCGCAAACCTGATAATGTCGCC[A>G]TGGGTTGGCTTGGCCAGAAGTCCATTATCTCGAAGTCGTAGACACACCTTCCAAGCATCC-3'
Protein context (NP_000265.1, residues 398-418): RDNGLLAKPT[His408=]GDIIRFAPPL

ClinVar aggregate classification (germline): Conflicting classifications of pathogenicity. Review status: criteria provided, conflicting classifications (1 of 4 stars). 6 submissions from 6 submitters: Uncertain significance (2); Benign (1); Likely benign (2). 1 of the submissions does not count toward it. Last evaluated 2026-08-11.

Conditions:
OAT-related disorder. Also called: OAT-related condition.
Ornithine aminotransferase deficiency (GACR). Also called: OKT DEFICIENCY; HYPERORNITHINEMIA WITH GYRATE ATROPHY OF CHOROID AND RETINA; OAT DEFICIENCY; Ornithine ketoacid aminotransferase deficiency; Gyrate atrophy; Gyrate atrophy of choroid and retina. Identifiers: Orphanet 414, MedGen C0018425, MONDO:0009796, OMIM 258870.

Allele frequency attached by ClinVar (database versions not stated): gnomAD exomes 0.00005 and 0.00016; ESP Exome Variant Server 0.00015; ExAC 0.00017; gnomAD 0.00071 and 0.00073; TOPMed 0.00076; 1000 Genomes Project 0.00100; 1000 Genomes Project 30x 0.00125.
gnomAD v4.1: 183 of 1,614,122 alleles (0.011%); highest among the groups gnomAD compares: African/African-American, 0.23%; no homozygotes.

Submissions (6):

PreventionGenetics, part of Exact Sciences
Classification: Likely benign for OAT-related condition. Last evaluated: 2026-08-11. Review status: criteria provided, single submitter. Criteria: ACMG Guidelines, 2015. Collection method: clinical testing. Allele origin: germline.
Comment: This variant is classified as likely benign based on ACMG/AMP sequence variant interpretation guidelines (Richards et al. 2015 PMID: 25741868, with internal and published modifications).

Labcorp Genetics (formerly Invitae), Labcorp
Classification: Benign for Ornithine aminotransferase deficiency. Last evaluated: 2026-01-26. Review status: criteria provided, single submitter. Criteria: Invitae Variant Classification Sherloc (09022015). Collection method: clinical testing. Allele origin: germline.

Blueprint Genetics
Classification: Likely benign. Last evaluated: 2022-11-29. Review status: criteria provided, single submitter. Criteria: ACMG Guidelines, 2015. Collection method: clinical testing. Allele origin: germline.

Illumina Laboratory Services, Illumina
Classification: Uncertain significance for Ornithine aminotransferase deficiency. Last evaluated: 2018-01-13. Review status: criteria provided, single submitter. Criteria: ICSL Variant Classification Criteria 13 December 2019. Collection method: clinical testing. Allele origin: germline.

Eurofins Ntd Llc (ga)
Classification: Uncertain significance. Last evaluated: 2015-06-04. Review status: criteria provided, single submitter. Criteria: EGL Classification Definitions 2015. Collection method: clinical testing. Allele origin: germline. Observed: 1 variant allele, 1 heterozygote.

Natera, Inc.
Classification: Likely benign for Gyrate atrophy. Last evaluated: 2019-10-24. Review status: no assertion criteria provided. Collection method: clinical testing. Allele origin: germline. Not counted in ClinVar's aggregate classification.